The following is an entry in ClinVar:

NM_004360.5(CDH1):c.1532A>G (p.Gln511Arg)

Gene: CDH1 (cadherin 1; plus strand). Cytogenetic location: 16q22.1.
Variant type: single nucleotide variant.
Coding change: c.1532A>G on transcript NM_004360.5 (MANE Select); coding-DNA position 1532, A replaced by G.
Protein change: p.Gln511Arg; replaces glutamine 511 with arginine.
Molecular consequence: missense variant. On other transcripts: 5 prime UTR variant (2).
Genome position (GRCh38, 1-based): chr16:68,815,726, A>G. VCF-style: chr16-68815726-A-G. GRCh37 (hg19) VCF-style: chr16-68849629-A-G.
Other names: c.1349A>G, p.Gln450Arg (NM_001317184.2); c.-17A>G (NM_001317185.2); c.-288A>G (NM_001317186.2); short protein forms Q511R, Q450R.
Identifiers: ClinVar variation 491499 (VCV000491499.10), dbSNP rs1555516178, ClinGen allele CA396463472.
Genomic context (GRCh38, chr16:68,815,726, plus strand): 5'-AGAGAGTGGAAGTGTCCGAGGACTTTGGCGTGGGCCAGGAAATCACATCCTACACTGCCC[A>G]GGAGCCAGACACATTTATGGAACAGAAAATAACGTAAGTGTGAGGATTTTTCAACTGACT-3'
Protein context (NP_004351.1, residues 501-521): VGQEITSYTA[Gln511Arg]EPDTFMEQKI

ClinVar aggregate classification (germline): Uncertain significance. Review status: criteria provided, multiple submitters, no conflicts (2 of 4 stars). 2 submissions from 2 submitters: Uncertain significance (2). Last evaluated 2023-01-06.

Conditions:
Hereditary cancer-predisposing syndrome. Also called: Tumor predisposition; Neoplastic Syndromes, Hereditary; Hereditary Cancer Syndrome; Hereditary neoplastic syndrome. Identifiers: Orphanet 140162, MedGen C0027672, MeSH D009386, MONDO:0015356.
Hereditary diffuse gastric adenocarcinoma (HDGC). Also called: DIFFUSE GASTRIC AND LOBULAR BREAST CANCER SYNDROME. Identifiers: Orphanet 26106, MedGen C1708349, MONDO:0007648, OMIM 137215.

Allele frequency attached by ClinVar (database versions not stated): gnomAD exomes below 0.00001.
gnomAD v4.1: 1 of 1,614,270 alleles (0.000062%); highest among the groups gnomAD compares: Non-Finnish European, 0.000085%; no homozygotes.

Submissions (2):

Labcorp Genetics (formerly Invitae), Labcorp
Classification: Uncertain significance for Hereditary diffuse gastric adenocarcinoma. Last evaluated: 2023-01-06. Review status: criteria provided, single submitter. Criteria: Invitae Variant Classification Sherloc (09022015). Collection method: clinical testing. Allele origin: germline.
Comment: In summary, the available evidence is currently insufficient to determine the role of this variant in disease. Therefore, it has been classified as a Variant of Uncertain Significance. Algorithms developed to predict the effect of missense changes on protein structure and function output the following: SIFT: "Tolerated"; PolyPhen-2: "Benign"; Align-GVGD: "Class C0". The arginine amino acid residue is found in multiple mammalian species, which suggests that this missense change does not adversely affect protein function. ClinVar contains an entry for this variant (Variation ID: 491499). This variant has not been reported in the literature in individuals affected with CDH1-related conditions. This variant is not present in population databases (gnomAD no frequency). This sequence change replaces glutamine, which is neutral and polar, with arginine, which is basic and polar, at codon 511 of the CDH1 protein (p.Gln511Arg).

Color Diagnostics, LLC DBA Color Health
Classification: Uncertain significance for Hereditary cancer-predisposing syndrome. Last evaluated: 2021-07-13. Review status: criteria provided, single submitter. Criteria: ACMG Guidelines, 2015. Collection method: clinical testing. Allele origin: germline.
Comment: This missense variant replaces glutamine with arginine at codon 511 of the CDH1 protein. To our knowledge, functional studies have not been reported for this variant. This variant has not been reported in individuals affected with hereditary cancer in the literature. This variant has not been identified in the general population by the Genome Aggregation Database (gnomAD). The available evidence is insufficient to determine the role of this variant in disease conclusively. Therefore, this variant is classified as a Variant of Uncertain Significance.